The following is an entry in ClinVar:

NM_153704.6(TMEM67):c.1013A>G (p.Asp338Gly)

Gene: TMEM67 (transmembrane protein 67; plus strand). Cytogenetic location: 8q22.1.
Variant type: single nucleotide variant.
Coding change: c.1013A>G on transcript NM_153704.6 (MANE Select); coding-DNA position 1013, A replaced by G.
Protein change: p.Asp338Gly; replaces aspartic acid 338 with glycine.
Molecular consequence: missense variant. On other transcripts: non-coding transcript variant (1).
Genome position (GRCh38, 1-based): chr8:93,781,692, A>G. VCF-style: chr8-93781692-A-G. GRCh37 (hg19) VCF-style: chr8-94793920-A-G.
Other names: c.770A>G, p.Asp257Gly (NM_001142301.1); short protein forms D257G, D338G.
Identifiers: ClinVar variation 4989849 (VCV004989849.1).

ClinVar aggregate classification (germline): Uncertain significance (1 of 4 stars; one submission).

Conditions:
TMEM67-related disorder. Also called: TMEM67-related disorders; TMEM67-related condition. Identifiers: MedGen CN239423.

gnomAD v4.1: 2 of 1,609,564 alleles (0.00012%); highest among the groups gnomAD compares: Non-Finnish European, 0.00017%; no homozygotes.

Submission:

PreventionGenetics, part of Exact Sciences
Classification: Uncertain significance for TMEM67-related condition. Last evaluated: 2025-12-04. Review status: criteria provided, single submitter. Criteria: ACMG Guidelines, 2015. Collection method: clinical testing. Allele origin: germline.
Comment: The TMEM67 c.1013A>G variant is predicted to result in the amino acid substitution p.Asp338Gly. To our knowledge, this variant has not been reported in the literature or in a large population database (gnomAD), indicating this variant is rare. At this time, the clinical significance of this variant is uncertain due to the absence of conclusive functional and genetic evidence.